The following is an entry in ClinVar:

ClinVar aggregate classification (germline): Uncertain significance (1 of 4 stars; one submission).

Submission:

Labcorp Genetics (formerly Invitae), Labcorp
Classification: Uncertain significance. Last evaluated: 2022-03-19. Review status: criteria provided, single submitter. Criteria: Invitae Variant Classification Sherloc (09022015). Collection method: clinical testing. Allele origin: germline.
Comment: In summary, the available evidence is currently insufficient to determine the role of this variant in disease. Therefore, it has been classified as a Variant of Uncertain Significance. This sequence change replaces leucine, which is neutral and non-polar, with methionine, which is neutral and non-polar, at codon 422 of the EMC1 protein (p.Leu422Met). This variant is not present in population databases (gnomAD no frequency). This variant has not been reported in the literature in individuals affected with EMC1-related conditions. Algorithms developed to predict the effect of missense changes on protein structure and function (SIFT, PolyPhen-2, Align-GVGD) all suggest that this variant is likely to be tolerated.

NM_015047.3(EMC1):c.1264T>A (p.Leu422Met)

Genes: EMC1 (ER membrane protein complex subunit 1; minus strand), EMC1-AS1 (EMC1 antisense RNA 1; plus strand). Cytogenetic location: 1p36.13.
Variant type: single nucleotide variant.
Coding change: c.1264T>A on transcript NM_015047.3 (MANE Select); coding-DNA position 1264, T replaced by A.
Protein change: p.Leu422Met; replaces leucine 422 with methionine.
Molecular consequence: missense variant.
Genome position (GRCh38, 1-based): chr1:19,237,187, A>T on the plus strand (T>A on the coding strand, the complement: EMC1 is on the minus strand). VCF-style: chr1-19237187-A-T. GRCh37 (hg19) VCF-style: chr1-19563681-A-T.
Other names: c.1261T>A, p.Leu421Met (NM_001271427.2, NM_001375821.1); c.1264T>A, p.Leu422Met (NM_001271428.2, NM_001375820.1); c.1198T>A, p.Leu400Met (NM_001271429.2); short protein forms L422M, L400M, L421M.
Identifiers: ClinVar variation 2114403 (VCV002114403.4), dbSNP rs2536760586, ClinGen allele CA338765530.
Genomic context (GRCh38, chr1:19,237,187, plus strand): 5'-ATGAGGTCTACTTACCCAACTGCTGCAGGAAAAGTAGCAGATGATCCTCTGTCTGCACCA[A>T]AGCCCGGTAGCCCACTGAGTCATCCTTCTTCAAGAACACCTGGATATACAGCTATAAGCC-3'
Protein context (NP_055862.1, residues 412-432): KKDDSVGYRA[Leu422Met]VQTEDHLLLF